The following is an entry in ClinVar:

ClinVar aggregate classification (germline): Uncertain significance (1 of 4 stars; one submission).

Submission:

GeneDx
Classification: Uncertain significance. Last evaluated: 2025-06-12. Review status: criteria provided, single submitter. Criteria: GeneDx Variant Classification Process June 2021. Collection method: clinical testing. Allele origin: germline. Affected: yes.
Comment: Not observed at significant frequency in large population cohorts (gnomAD); In silico analysis supports that this missense variant has a deleterious effect on protein structure/function; Has not been previously published as pathogenic or benign to our knowledge

NM_006421.5(ARFGEF1):c.2852T>C (p.Leu951Ser)

Gene: ARFGEF1 (ARF guanine nucleotide exchange factor 1; minus strand). Cytogenetic location: 8q13.2.
Variant type: single nucleotide variant.
Coding change: c.2852T>C on transcript NM_006421.5 (MANE Select); coding-DNA position 2852, T replaced by C.
Protein change: p.Leu951Ser; replaces leucine 951 with serine.
Molecular consequence: missense variant. On other transcripts: non-coding transcript variant (1).
Genome position (GRCh38, 1-based): chr8:67,240,289, A>G on the plus strand (T>C on the coding strand, the complement: ARFGEF1 is on the minus strand). VCF-style: chr8-67240289-A-G. GRCh37 (hg19) VCF-style: chr8-68152524-A-G.
Other names: c.2852T>C, p.Leu951Ser (NM_001413184.1, NM_001413185.1, NM_001413186.1 and 6 more transcripts); c.2252T>C, p.Leu751Ser (NM_001413188.1, NM_001413193.1, NM_001413197.1); c.2846T>C, p.Leu949Ser (NM_001413190.1); c.1427T>C, p.Leu476Ser (NM_001413196.1); short protein forms L476S, L751S, L949S, L951S.
Identifiers: ClinVar variation 4537780 (VCV004537780.1).
Genomic context (GRCh38, chr8:67,240,289, plus strand): 5'-TCAGTATCATCACAATCTTGTAGACCCACACTGAATGCAGCCAGAAAAGGCGTCCAAGCC[A>G]ACTACAAAAATTAAAAATTGTATTTTAATTAAAGATTATGATAACACATTAAAATTTCTC-3'
Protein context (NP_006412.2, residues 941-961): HLEHVRPMFK[Leu951Ser]AWTPFLAAFS